The following is an entry in ClinVar:

ClinVar aggregate classification (germline): Uncertain significance (1 of 4 stars; one submission).

Conditions:
Inborn genetic diseases. Identifiers: MedGen C0950123, MeSH D030342.

gnomAD v4.1: 2 of 1,613,360 alleles (0.00012%); highest among the groups gnomAD compares: African/African-American, 0.0027%; no homozygotes.

Submission:

Ambry Genetics
Classification: Uncertain significance for Inborn genetic diseases. Last evaluated: 2024-12-02. Review status: criteria provided, single submitter. Criteria: Ambry Variant Classification Scheme 2023. Collection method: clinical testing. Allele origin: germline.
Comment: The p.T936R variant (also known as c.2807C>G), located in coding exon 1 of the SAMD9L gene, results from a C to G substitution at nucleotide position 2807. The threonine at codon 936 is replaced by arginine, an amino acid with similar properties. This amino acid position is conserved. In addition, this alteration is predicted to be tolerated by in silico analysis. Based on the available evidence, the clinical significance of this variant remains unclear.

NM_152703.5(SAMD9L):c.2807C>G (p.Thr936Arg)

Gene: SAMD9L (sterile alpha motif domain containing 9 like; minus strand). Cytogenetic location: 7q21.2.
Variant type: single nucleotide variant.
Coding change: c.2807C>G on transcript NM_152703.5 (MANE Select); coding-DNA position 2807, C replaced by G.
Protein change: p.Thr936Arg; replaces threonine 936 with arginine.
Molecular consequence: missense variant.
Genome position (GRCh38, 1-based): chr7:93,133,165, G>C on the plus strand (C>G on the coding strand, the complement: SAMD9L is on the minus strand). VCF-style: chr7-93133165-G-C. GRCh37 (hg19) VCF-style: chr7-92762478-G-C.
Other names: c.2807C>G, p.Thr936Arg (NM_001303496.3, NM_001303497.3, NM_001303498.3 and 5 more transcripts); short protein forms T936R.
Identifiers: ClinVar variation 3437213 (VCV003437213.1).